The following is an entry in ClinVar:

ClinVar aggregate classification (germline): Uncertain significance. Review status: criteria provided, multiple submitters, no conflicts (2 of 4 stars). 2 submissions from 2 submitters: Uncertain significance (2). Last evaluated 2025-10-14.

Conditions:
Inborn genetic diseases. Identifiers: MedGen C0950123, MeSH D030342.
Congenital myasthenic syndrome 2A. Also called: Myasthenic syndrome, congenital, 2a, slow-channel. Identifiers: Orphanet 590, MedGen C4225374, MONDO:0014581, OMIM 616313.

Allele frequency attached by ClinVar (database versions not stated): TOPMed below 0.00001; gnomAD 0.00001; gnomAD exomes 0.00001.
gnomAD v4.1: 11 of 1,614,030 alleles (0.00068%); highest among the groups gnomAD compares: Admixed American, 0.0067%; no homozygotes.

Submissions (2):

Ambry Genetics
Classification: Uncertain significance for Inborn genetic diseases. Last evaluated: 2025-10-14. Review status: criteria provided, single submitter. Criteria: Ambry Variant Classification Scheme 2023. Collection method: clinical testing. Allele origin: germline.

Labcorp Genetics (formerly Invitae), Labcorp
Classification: Uncertain significance for Congenital myasthenic syndrome 2A. Last evaluated: 2025-09-01. Review status: criteria provided, single submitter. Criteria: Invitae Variant Classification Sherloc (09022015). Collection method: clinical testing. Allele origin: germline.
Comment: This sequence change replaces valine, which is neutral and non-polar, with alanine, which is neutral and non-polar, at codon 328 of the CHRNB1 protein (p.Val328Ala). This variant is present in population databases (no rsID available, gnomAD 0.01%). This variant has not been reported in the literature in individuals affected with CHRNB1-related conditions. ClinVar contains an entry for this variant (Variation ID: 1373903). Invitae Evidence Modeling of protein sequence and biophysical properties (such as structural, functional, and spatial information, amino acid conservation, physicochemical variation, residue mobility, and thermodynamic stability) indicates that this missense variant is not expected to disrupt CHRNB1 protein function with a negative predictive value of 80%. In summary, the available evidence is currently insufficient to determine the role of this variant in disease. Therefore, it has been classified as a Variant of Uncertain Significance.

NM_000747.3(CHRNB1):c.983T>C (p.Val328Ala)

Gene: CHRNB1 (cholinergic receptor nicotinic beta 1 subunit; plus strand). Cytogenetic location: 17p13.1.
Variant type: single nucleotide variant.
Coding change: c.983T>C on transcript NM_000747.3 (MANE Select); coding-DNA position 983, T replaced by C.
Protein change: p.Val328Ala; replaces valine 328 with alanine.
Molecular consequence: missense variant.
Genome position (GRCh38, 1-based): chr17:7,454,459, T>C. VCF-style: chr17-7454459-T-C. GRCh37 (hg19) VCF-style: chr17-7357778-T-C.
Other names: c.983T>C (NM_000747.2); short protein forms V328A.
Identifiers: ClinVar variation 1373903 (VCV001373903.7), dbSNP rs1247175818, ClinGen allele CA397798424.